The following is an entry in ClinVar:

ClinVar aggregate classification (germline): Pathogenic. Review status: criteria provided, multiple submitters, no conflicts (2 of 4 stars). 8 submissions from 8 submitters: Pathogenic (6). 2 of the submissions do not count toward it. Last evaluated 2026-03-05.

Conditions:
Bardet-Biedl syndrome 7 (BBS7). Identifiers: Orphanet 110, MedGen C1859565, MONDO:0014435, OMIM 615984.
BBS7-related disorder. Also called: BBS7-related condition.
Bardet-Biedl syndrome (BBS). Identifiers: Orphanet 110, MedGen C0752166, MONDO:0015229.

Submissions (8):

GeneDx
Classification: Pathogenic. Last evaluated: 2026-03-05. Review status: criteria provided, single submitter. Criteria: GeneDx Variant Classification Process June 2021. Collection method: clinical testing. Allele origin: germline.
Comment: Nonsense variant predicted to result in protein truncation or nonsense mediated decay in a gene for which loss of function is a known mechanism of disease; This variant is associated with the following publications: (PMID: 32359821, 31964843, 34021019, Chirco2024[Abstract], 39092430)

PreventionGenetics, part of Exact Sciences
Classification: Pathogenic for BBS7-related condition. Last evaluated: 2026-03-02. Review status: criteria provided, single submitter. Criteria: ACMG Guidelines, 2015. Collection method: clinical testing. Allele origin: germline.
Comment: The BBS7 c.1062_1063delTA variant is predicted to result in premature protein termination (p.Tyr354*). This variant has been reported in the compound heterozygous state in an individual with Bardet-Biedl syndrome (Table S1, Riedhammer et al. 2020. PubMed ID: 32359821). This variant is reported in 0.016% of alleles in individuals of African descent in gnomAD. Nonsense variants in BBS7 are expected to be pathogenic. This variant is interpreted as pathogenic.

Labcorp Genetics (formerly Invitae), Labcorp
Classification: Pathogenic for Bardet-Biedl syndrome. Last evaluated: 2025-08-15. Review status: criteria provided, single submitter. Criteria: Invitae Variant Classification Sherloc (09022015). Collection method: clinical testing. Allele origin: germline.
Comment: This sequence change creates a premature translational stop signal (p.Tyr354*) in the BBS7 gene. It is expected to result in an absent or disrupted protein product. Loss-of-function variants in BBS7 are known to be pathogenic (PMID: 12567324, 19402160, 21209035, 31196119). This variant is present in population databases (rs773139166, gnomAD 0.009%). This variant has not been reported in the literature in individuals affected with BBS7-related conditions. ClinVar contains an entry for this variant (Variation ID: 285609). For these reasons, this variant has been classified as Pathogenic.

Blueprint Genetics
Classification: Pathogenic for BBS7-related disorders. Last evaluated: 2023-07-11. Review status: criteria provided, single submitter. Criteria: ACMG Guidelines, 2015. Collection method: clinical testing. Allele origin: germline. Affected: yes. Observed: 5 variant alleles.

Fulgent Genetics
Classification: Pathogenic for Bardet-Biedl syndrome 7. Last evaluated: 2021-06-30. Review status: criteria provided, single submitter. Criteria: ACMG Guidelines, 2015. Collection method: clinical testing. Allele origin: unknown.
Comment: This variant has been detected in individual(s) who were sent for testing of Renasight - kidney gene panel.

Eurofins Ntd Llc (ga)
Classification: Pathogenic. Last evaluated: 2016-01-13. Review status: criteria provided, single submitter. Criteria: EGL Classification Definitions 2015. Collection method: clinical testing. Allele origin: germline. Observed: 1 variant allele, 1 heterozygote.

Clinical Genetics DNA and cytogenetics Diagnostics Lab, Erasmus MC, Erasmus Medical Center
Classification: Pathogenic. Review status: no assertion criteria provided. Collection method: clinical testing. Allele origin: germline. Affected: yes. Study: VKGL Data-share Consensus. Not counted in ClinVar's aggregate classification.

Clinical Genetics, Academic Medical Center
Classification: Pathogenic. Review status: no assertion criteria provided. Collection method: clinical testing. Allele origin: germline. Affected: yes. Study: VKGL Data-share Consensus. Not counted in ClinVar's aggregate classification.

Literature cited by the submitters: PubMed 12567324 (cited by Labcorp Genetics (formerly Invitae), Labcorp); PubMed 19402160 (cited by Labcorp Genetics (formerly Invitae), Labcorp); PubMed 21209035 (cited by Labcorp Genetics (formerly Invitae), Labcorp); PubMed 31196119 (cited by Labcorp Genetics (formerly Invitae), Labcorp).

NM_176824.3(BBS7):c.1062_1063del (p.Tyr354_Lys355delinsTer)

Gene: BBS7 (Bardet-Biedl syndrome 7; minus strand). Cytogenetic location: 4q27.
Variant type: Microsatellite.
Coding change: c.1062_1063del on transcript NM_176824.3 (MANE Select); coding-DNA positions 1062 to 1063, 2 bases deleted (TA; older notation c.1062_1063delTA).
Protein change: p.Tyr354_Lys355delinsTer.
Molecular consequence: nonsense.
Genome position (GRCh38, 1-based): chr4:121,845,671-121,845,672, TA deleted on the plus strand (TA on the coding strand, the reverse complement: BBS7 is on the minus strand); deleting any 2 consecutive bases within chr4:121,845,671-121,845,674 gives the same sequence; the c. name uses the placement nearest the transcript's 3' end. VCF-style (leftmost placement, unchanged base first): chr4-121845670-TTA-T. GRCh37 (hg19) VCF-style: chr4-122766825-TTA-T.
Other names: c.1062_1063del (NM_176824.2); c.1062_1063del, p.Tyr354_Lys355delinsTer (NM_018190.4).
Identifiers: ClinVar variation 285609 (VCV000285609.24), dbSNP rs773139166, ClinGen allele CA3064322.